The following is an entry in ClinVar:

NM_004972.4(JAK2):c.3278G>C (p.Gly1093Ala)

Genes: INSL6 (insulin like 6; minus strand), JAK2 (Janus kinase 2; plus strand). Cytogenetic location: 9p24.1.
Variant type: single nucleotide variant.
Coding change: c.3278G>C on transcript NM_004972.4 (MANE Select); coding-DNA position 3278, G replaced by C.
Protein change: p.Gly1093Ala; replaces glycine 1093 with alanine.
Molecular consequence: missense variant. On other transcripts: non-coding transcript variant (2).
Genome position (GRCh38, 1-based): chr9:5,126,433, G>C. VCF-style: chr9-5126433-G-C. GRCh37 (hg19) VCF-style: chr9-5126433-G-C.
Other names: c.3278G>C, p.Gly1093Ala (NM_001322194.2, NM_001322195.2, NM_001322196.2); c.2063G>C, p.Gly688Ala (NM_001322198.2, NM_001322199.2); c.2831G>C, p.Gly944Ala (NM_001322204.2); short protein forms G944A, G1093A, G688A.
Identifiers: ClinVar variation 4697152 (VCV004697152.2).

ClinVar aggregate classification (germline): Uncertain significance. Review status: criteria provided, multiple submitters, no conflicts (2 of 4 stars). 2 submissions from 2 submitters: Uncertain significance (2). Last evaluated 2026-01-27.

Conditions:
JAK2-related disorder. Also called: JAK2-related condition.

gnomAD v4.1: 17 of 1,602,410 alleles (0.0011%); highest among the groups gnomAD compares: South Asian, 0.014%; no homozygotes.

Submissions (2):

PreventionGenetics, part of Exact Sciences
Classification: Uncertain significance for JAK2-related condition. Last evaluated: 2026-01-27. Review status: criteria provided, single submitter. Criteria: ACMG Guidelines, 2015. Collection method: clinical testing. Allele origin: germline.
Comment: The JAK2 c.3278G>C variant is predicted to result in the amino acid substitution p.Gly1093Ala. To our knowledge, this variant has not been reported in the literature. This variant is reported in 0.012% of alleles in individuals of African descent in gnomAD. At this time, the clinical significance of this variant is uncertain due to the absence of conclusive functional and genetic evidence.

Labcorp Genetics (formerly Invitae), Labcorp
Classification: Uncertain significance. Last evaluated: 2025-12-06. Review status: criteria provided, single submitter. Criteria: Invitae Variant Classification Sherloc (09022015). Collection method: clinical testing. Allele origin: germline.
Comment: This sequence change replaces glycine, which is neutral and non-polar, with alanine, which is neutral and non-polar, at codon 1093 of the JAK2 protein (p.Gly1093Ala). This variant is present in population databases (rs145217075, gnomAD 0.008%). This variant has not been reported in the literature in individuals affected with JAK2-related conditions. Invitae Evidence Modeling of protein sequence and biophysical properties (such as structural, functional, and spatial information, amino acid conservation, physicochemical variation, residue mobility, and thermodynamic stability) indicates that this missense variant is not expected to disrupt JAK2 protein function with a negative predictive value of 95%. In summary, the available evidence is currently insufficient to determine the role of this variant in disease. Therefore, it has been classified as a Variant of Uncertain Significance.